The following is an entry in ClinVar:

NM_021072.4(HCN1):c.728T>C (p.Met243Thr)

Gene: HCN1 (hyperpolarization activated cyclic nucleotide gated potassium channel 1; minus strand). Cytogenetic location: 5p12.
Variant type: single nucleotide variant.
Coding change: c.728T>C on transcript NM_021072.4 (MANE Select); coding-DNA position 728, T replaced by C.
Protein change: p.Met243Thr; replaces methionine 243 with threonine.
Molecular consequence: missense variant.
Genome position (GRCh38, 1-based): chr5:45,645,306, A>G on the plus strand (T>C on the coding strand, the complement: HCN1 is on the minus strand). VCF-style: chr5-45645306-A-G. GRCh37 (hg19) VCF-style: chr5-45645408-A-G.
Other names: short protein forms M243T.
Identifiers: ClinVar variation 2027567 (VCV002027567.4), dbSNP rs1561230486, ClinGen allele CA359707247.
Genomic context (GRCh38, chr5:45,645,306, plus strand): 5'-AGAATTTTTGTAAACCTCACAATGCGAAGTGCCCTGGCTGTCTTGTAAACTTCAGAATCC[A>G]TTCCTTTTTCTACAATAAGAAAGATATAATCCACTGGGATGGATGAGATGAAGTCAACCA-3'
Protein context (NP_066550.2, residues 233-253): DYIFLIVEKG[Met243Thr]DSEVYKTARA

ClinVar aggregate classification (germline): Uncertain significance (1 of 4 stars; one submission).

Conditions:
Early-infantile DEE. Also called: Ohtahara syndrome; Early infantile epileptic encephalopathy with suppression bursts; Early infantile epileptic encephalopathy. Identifiers: Orphanet 1934, MedGen C0393706, MONDO:0800491.

Submission:

Labcorp Genetics (formerly Invitae), Labcorp
Classification: Uncertain significance for Early-infantile DEE. Last evaluated: 2022-08-28. Review status: criteria provided, single submitter. Criteria: Invitae Variant Classification Sherloc (09022015). Collection method: clinical testing. Allele origin: germline.
Comment: This variant is not present in population databases (gnomAD no frequency). This variant has not been reported in the literature in individuals affected with HCN1-related conditions. Advanced modeling of protein sequence and biophysical properties (such as structural, functional, and spatial information, amino acid conservation, physicochemical variation, residue mobility, and thermodynamic stability) performed at Invitae indicates that this missense variant is not expected to disrupt HCN1 protein function. This variant disrupts the p.Met243 amino acid residue in HCN1. Other variant(s) that disrupt this residue have been determined to be pathogenic (PMID: 30351409). This suggests that this residue is clinically significant, and that variants that disrupt this residue are likely to be disease-causing. In summary, the available evidence is currently insufficient to determine the role of this variant in disease. Therefore, it has been classified as a Variant of Uncertain Significance. This sequence change replaces methionine, which is neutral and non-polar, with threonine, which is neutral and polar, at codon 243 of the HCN1 protein (p.Met243Thr).

Literature cited by the submitters: PubMed 30351409.